The following is an entry in ClinVar:

NM_016006.6(ABHD5):c.66T>C (p.Gly22=)

Gene: ABHD5 (abhydrolase domain containing 5, lysophosphatidic acid acyltransferase; plus strand). Cytogenetic location: 3p21.33.
Variant type: single nucleotide variant.
Coding change: c.66T>C on transcript NM_016006.6 (MANE Select); coding-DNA position 66, T replaced by C.
Protein change: p.Gly22=; no amino-acid change (glycine 22 retained).
Molecular consequence: synonymous variant. On other transcripts: 5 prime UTR variant (1), non-coding transcript variant (1).
Genome position (GRCh38, 1-based): chr3:43,699,294, T>C. VCF-style: chr3-43699294-T-C. GRCh37 (hg19) VCF-style: chr3-43740786-T-C.
Other names: c.66T>C (NM_016006.4); c.66T>C, p.Gly22= (NM_001355186.2, NM_001365650.1); c.-58T>C (NM_001365649.1).
Identifiers: ClinVar variation 2071193 (VCV002071193.5), dbSNP rs527728901, ClinGen allele CA2341263.
Genomic context (GRCh38, chr3:43,699,294, plus strand): 5'-GCATGAACTCACCTATTTGTTATTTTGTTTTTGGTGCTCTAGGTCAGGATGGCTAACTGG[T>C]TGGCTCCCCACATGGTGCCCTACGTCTATATCACACCTTAAAGAAGCTGAAGAGAAGATG-3'
Protein context (NP_057090.2, residues 12-32): DTGERSGWLT[Gly22=]WLPTWCPTSI

ClinVar aggregate classification (germline): Benign/Likely benign. Review status: criteria provided, multiple submitters, no conflicts (2 of 4 stars). 2 submissions from 2 submitters: Benign (1); Likely benign (1). Last evaluated 2025-09-28.

Conditions:
ABHD5-related disorder. Also called: ABHD5-related condition.

Allele frequency attached by ClinVar (database versions not stated): TOPMed 0.00003; gnomAD 0.00008; 1000 Genomes Project 30x 0.00016; 1000 Genomes Project 0.00020; gnomAD exomes 0.00020; ExAC 0.00031.
gnomAD v4.1: 304 of 1,614,066 alleles (0.019%); highest among the groups gnomAD compares: South Asian, 0.3%; no homozygotes.

Submissions (2):

Labcorp Genetics (formerly Invitae), Labcorp
Classification: Benign. Last evaluated: 2025-09-28. Review status: criteria provided, single submitter. Criteria: Invitae Variant Classification Sherloc (09022015). Collection method: clinical testing. Allele origin: germline.

PreventionGenetics, part of Exact Sciences
Classification: Likely benign for ABHD5-related condition. Last evaluated: 2025-04-30. Review status: criteria provided, single submitter. Criteria: ACMG Guidelines, 2015. Collection method: clinical testing. Allele origin: germline.
Comment: This variant is classified as likely benign based on ACMG/AMP sequence variant interpretation guidelines (Richards et al. 2015 PMID: 25741868, with internal and published modifications).